The following is an entry in ClinVar:

ClinVar aggregate classification (germline): Conflicting classifications of pathogenicity. Review status: criteria provided, conflicting classifications (1 of 4 stars). 6 submissions from 6 submitters: Uncertain significance (2); Likely benign (3). 1 of the submissions does not count toward it. Last evaluated 2025-11-18.

Conditions:
ASPM-related disorder. Also called: ASPM-related condition.
Microcephaly 5, primary, autosomal recessive (MCPH5). Also called: ASPM Primary Microcephaly. Identifiers: Orphanet 2512, MedGen C1837501, MONDO:0012106, OMIM 608716.

Allele frequency attached by ClinVar (database versions not stated): gnomAD exomes 0.00026; ExAC 0.00036; gnomAD 0.00073 and 0.00079; TOPMed 0.00095; ESP Exome Variant Server 0.00108.
gnomAD v4.1: 247 of 1,613,044 alleles (0.015%); highest among the groups gnomAD compares: African/African-American, 0.21%; no homozygotes.

Submissions (6):

Labcorp Genetics (formerly Invitae), Labcorp
Classification: Likely benign. Last evaluated: 2025-11-18. Review status: criteria provided, single submitter. Criteria: Invitae Variant Classification Sherloc (09022015). Collection method: clinical testing. Allele origin: germline.

Revvity Omics, Revvity
Classification: Uncertain significance for Microcephaly 5, primary, autosomal recessive. Last evaluated: 2019-04-10. Review status: criteria provided, single submitter. Criteria: ACMG Guidelines, 2015. Collection method: clinical testing. Allele origin: germline.

Athena Diagnostics
Classification: Likely benign. Last evaluated: 2018-11-29. Review status: criteria provided, single submitter. Criteria: Athena Diagnostics Criteria. Collection method: clinical testing. Allele origin: germline.

Eurofins Ntd Llc (ga)
Classification: Likely benign. Last evaluated: 2015-04-14. Review status: criteria provided, single submitter. Criteria: EGL Classification Definitions 2015. Collection method: clinical testing. Allele origin: germline. Observed: 1 variant allele, 1 heterozygote.

Genetic Services Laboratory, University of Chicago
Classification: Uncertain significance for Microcephaly 5, primary, autosomal recessive. Last evaluated: 2013-02-08. Review status: criteria provided, single submitter. Criteria: ACMG Guidelines, 2007. Collection method: clinical testing. Allele origin: germline. Inheritance: Autosomal recessive inheritance.

PreventionGenetics, part of Exact Sciences
Classification: Likely benign for ASPM-related condition. Last evaluated: 2022-10-19. Review status: no assertion criteria provided. Collection method: clinical testing. Allele origin: germline. Not counted in ClinVar's aggregate classification.
Comment: This variant is classified as likely benign based on ACMG/AMP sequence variant interpretation guidelines (Richards et al. 2015 PMID: 25741868, with internal and published modifications).

Literature cited by the submitters: PubMed 23611254 (cited by Athena Diagnostics).

NM_018136.5(ASPM):c.9911G>A (p.Arg3304Gln)

Gene: ASPM (assembly factor for spindle microtubules; minus strand). Cytogenetic location: 1q31.3.
Variant type: single nucleotide variant.
Coding change: c.9911G>A on transcript NM_018136.5 (MANE Select); coding-DNA position 9911, G replaced by A.
Protein change: p.Arg3304Gln; replaces arginine 3304 with glutamine.
Molecular consequence: missense variant.
Genome position (GRCh38, 1-based): chr1:197,090,003, C>T on the plus strand (G>A on the coding strand, the complement: ASPM is on the minus strand). VCF-style: chr1-197090003-C-T. GRCh37 (hg19) VCF-style: chr1-197059133-C-T.
Other names: c.5156G>A, p.Arg1719Gln (NM_001206846.2); short protein forms R3304Q, R1719Q.
Identifiers: ClinVar variation 157919 (VCV000157919.23), dbSNP rs149859034, ClinGen allele CA202013.